The following is an entry in ClinVar:

NC_000017.11:g.(?_31095030)_(31104404_?)dup

Gene: NF1 (neurofibromin 1; plus strand). Cytogenetic location: 17q11.2.
Variant type: Duplication.
Identifiers: ClinVar variation 830450 (VCV000830450.3).

ClinVar aggregate classification (germline): Uncertain significance (1 of 4 stars; one submission).

Conditions:
Neurofibromatosis, type 1 (NF1). Also called: Neurofibromatosis, type I; Peripheral type neurofibromatosis; VON RECKLINGHAUSEN DISEASE; NEUROFIBROMATOSIS, TYPE I, SOMATIC. Identifiers: Orphanet 636, MedGen C0027831, MONDO:0018975, OMIM 162200. Disease mechanism: loss of function.

Submission:

Labcorp Genetics (formerly Invitae), Labcorp
Classification: Uncertain significance for Neurofibromatosis, type 1. Last evaluated: 2022-10-24. Review status: criteria provided, single submitter. Criteria: Invitae Variant Classification Sherloc (09022015). Collection method: clinical testing. Allele origin: germline.
Comment: This variant results in a copy number gain of the genomic region encompassing exon(s) 1 of the NF1 gene. This region includes the initiator codon of the gene. This copy number gain extends beyond the assayed region for this gene and therefore may encompass additional genes. As the precise location of this event is unknown, it may be in tandem or it may be located elsewhere in the genome. This variant has not been reported in the literature in individuals affected with NF1-related conditions. In summary, the available evidence is currently insufficient to determine the role of this variant in disease. Therefore, it has been classified as a Variant of Uncertain Significance.